The following is an entry in ClinVar:

ClinVar aggregate classification (germline): Uncertain significance (1 of 4 stars; one submission).

Conditions:
Inborn genetic diseases. Identifiers: MedGen C0950123, MeSH D030342.

Allele frequency attached by ClinVar (database versions not stated): gnomAD exomes below 0.00001.
gnomAD v4.1: 1 of 1,610,908 alleles (0.000062%); highest among the groups gnomAD compares: Non-Finnish European, 0.000085%; no homozygotes.

Submission:

Ambry Genetics
Classification: Uncertain significance for Inborn genetic diseases. Last evaluated: 2021-10-29. Review status: criteria provided, single submitter. Criteria: Ambry Variant Classification Scheme 2023. Collection method: clinical testing. Allele origin: germline.
Comment: The p.E1443K variant (also known as c.4327G>A), located in coding exon 36 of the DNMT1 gene, results from a G to A substitution at nucleotide position 4327. The glutamic acid at codon 1443 is replaced by lysine, an amino acid with similar properties. This amino acid position is well conserved in available vertebrate species. In addition, this alteration is predicted to be tolerated by in silico analysis. Since supporting evidence is limited at this time, the clinical significance of this alteration remains unclear.

NM_001130823.3(DNMT1):c.4375G>A (p.Glu1459Lys)

Gene: DNMT1 (DNA methyltransferase 1; minus strand). Cytogenetic location: 19p13.2.
Variant type: single nucleotide variant.
Coding change: c.4375G>A on transcript NM_001130823.3 (MANE Select); coding-DNA position 4375, G replaced by A.
Protein change: p.Glu1459Lys; replaces glutamic acid 1459 with lysine.
Molecular consequence: missense variant.
Genome position (GRCh38, 1-based): chr19:10,137,199, C>T on the plus strand (G>A on the coding strand, the complement: DNMT1 is on the minus strand). VCF-style: chr19-10137199-C-T. GRCh37 (hg19) VCF-style: chr19-10247875-C-T.
Other names: c.4327G>A, p.Glu1443Lys (NM_001318730.2, NM_001379.4); c.4012G>A, p.Glu1338Lys (NM_001318731.2); short protein forms E1459K, E1338K, E1443K.
Identifiers: ClinVar variation 1739736 (VCV001739736.2), dbSNP rs2513769751, ClinGen allele CA403969628.